The following is an entry in ClinVar:

ClinVar aggregate classification (germline): Uncertain significance (1 of 4 stars; one submission).

gnomAD v4.1: 7 of 1,598,436 alleles (0.00044%); highest among the groups gnomAD compares: Non-Finnish European, 0.00017%; no homozygotes.

Submission:

Labcorp Genetics (formerly Invitae), Labcorp
Classification: Uncertain significance. Last evaluated: 2025-10-07. Review status: criteria provided, single submitter. Criteria: Invitae Variant Classification Sherloc (09022015). Collection method: clinical testing. Allele origin: germline.
Comment: This sequence change affects a donor splice site in intron 1 of the COA5 gene. It is expected to disrupt RNA splicing. Variants that disrupt the donor or acceptor splice site typically lead to a loss of protein function (PMID: 16199547), however the current clinical and genetic evidence is not sufficient to establish whether loss-of-function variants in COA5 cause disease. The frequency data for this variant in the population databases is considered unreliable, as metrics indicate poor data quality at this position in the gnomAD database. This variant has not been reported in the literature in individuals affected with COA5-related conditions. Algorithms developed to predict the effect of sequence changes on RNA splicing suggest that this variant may disrupt the consensus splice site. In summary, the available evidence is currently insufficient to determine the role of this variant in disease. Therefore, it has been classified as a Variant of Uncertain Significance.

Literature cited by the submitters: PubMed 16199547.

NM_001008215.3(COA5):c.99+1G>A

Gene: COA5 (cytochrome c oxidase assembly factor 5; minus strand). Cytogenetic location: 2q11.2.
Variant type: single nucleotide variant.
Coding change: c.99+1G>A on transcript NM_001008215.3 (MANE Select); the canonical splice donor site of the intron after coding-DNA position 99, G replaced by A.
Molecular consequence: splice donor variant.
Genome position (GRCh38, 1-based): chr2:98,608,306, C>T on the plus strand (G>A on the coding strand, the complement: COA5 is on the minus strand). VCF-style: chr2-98608306-C-T. GRCh37 (hg19) VCF-style: chr2-99224769-C-T.
Identifiers: ClinVar variation 4741800 (VCV004741800.1).